The following is an entry in ClinVar:

NM_032043.3(BRIP1):c.953A>G (p.Lys318Arg)

Gene: BRIP1 (BRCA1 interacting DNA helicase 1; minus strand). Cytogenetic location: 17q23.2.
Variant type: single nucleotide variant.
Coding change: c.953A>G on transcript NM_032043.3 (MANE Select); coding-DNA position 953, A replaced by G.
Protein change: p.Lys318Arg; replaces lysine 318 with arginine.
Molecular consequence: missense variant.
Genome position (GRCh38, 1-based): chr17:61,801,440, T>C on the plus strand (A>G on the coding strand, the complement: BRIP1 is on the minus strand). VCF-style: chr17-61801440-T-C. GRCh37 (hg19) VCF-style: chr17-59878801-T-C.
Other names: short protein forms K318R.
Identifiers: ClinVar variation 948404 (VCV000948404.14), dbSNP rs2077992906, ClinGen allele CA400484251.
Genomic context (GRCh38, chr17:61,801,440, plus strand): 5'-TCTATATCCCAGGCTTTGCACATCCCTTGGAAAGTCTGTAATGTGTGCTGATCACTAATT[T>C]TATGAACTCCATGATAAAAATAGCAGGATTTTCCCTAGAAACAAATATGCATAACTGAAA-3'
Protein context (NP_114432.2, residues 308-328): KSCYFYHGVH[Lys318Arg]ISDQHTLQTF

ClinVar aggregate classification (germline): Uncertain significance. Review status: criteria provided, multiple submitters, no conflicts (2 of 4 stars). 3 submissions from 3 submitters: Uncertain significance (3). Last evaluated 2024-02-07.

Conditions:
Familial cancer of breast. Also called: BREAST CANCER, FAMILIAL; Hereditary breast cancer; hereditary breast carcinoma. Identifiers: Orphanet 227535, MedGen C0346153, MONDO:0016419, OMIM 114480. Disease mechanism: loss of function.
Fanconi anemia complementation group J. Also called: BRIP1-Related Fanconi Anemia. Identifiers: Orphanet 84, MedGen C1836860, MONDO:0012187, OMIM 609054.
Hereditary cancer-predisposing syndrome. Also called: Neoplastic Syndromes, Hereditary; Hereditary neoplastic syndrome; Hereditary Cancer Syndrome; Tumor predisposition. Identifiers: Orphanet 140162, MedGen C0027672, MeSH D009386, MONDO:0015356.

Submissions (3):

Baylor Genetics
Classification: Uncertain significance for Familial cancer of breast. Last evaluated: 2024-02-07. Review status: criteria provided, single submitter. Criteria: ACMG Guidelines, 2015. Collection method: clinical testing. Allele origin: unknown.

Ambry Genetics
Classification: Uncertain significance for Hereditary cancer-predisposing syndrome. Last evaluated: 2022-06-27. Review status: criteria provided, single submitter. Criteria: Ambry Variant Classification Scheme 2023. Collection method: clinical testing. Allele origin: germline.
Comment: The p.K318R variant (also known as c.953A>G), located in coding exon 7 of the BRIP1 gene, results from an A to G substitution at nucleotide position 953. The lysine at codon 318 is replaced by arginine, an amino acid with highly similar properties. This amino acid position is conserved. In addition, this alteration is predicted to be tolerated by in silico analysis. Since supporting evidence is limited at this time, the clinical significance of this alteration remains unclear.

Labcorp Genetics (formerly Invitae), Labcorp
Classification: Uncertain significance for Familial cancer of breast; Fanconi anemia complementation group J. Last evaluated: 2019-05-28. Review status: criteria provided, single submitter. Criteria: Invitae Variant Classification Sherloc (09022015). Collection method: clinical testing. Allele origin: germline.
Comment: In summary, the available evidence is currently insufficient to determine the role of this variant in disease. Therefore, it has been classified as a Variant of Uncertain Significance. Algorithms developed to predict the effect of missense changes on protein structure and function output the following: SIFT: "Tolerated"; PolyPhen-2: "Benign"; Align-GVGD: "Class C0". The arginine amino acid residue is found in multiple mammalian species, suggesting that this missense change does not adversely affect protein function. These predictions have not been confirmed by published functional studies and their clinical significance is uncertain. This variant has not been reported in the literature in individuals with BRIP1-related conditions. This variant is not present in population databases (ExAC no frequency). This sequence change replaces lysine with arginine at codon 318 of the BRIP1 protein (p.Lys318Arg). The lysine residue is moderately conserved and there is a small physicochemical difference between lysine and arginine.